The following is an entry in ClinVar:

NM_016156.6(MTMR2):c.37C>T (p.Gln13Ter)

Gene: MTMR2 (myotubularin related protein 2; minus strand). Cytogenetic location: 11q21.
Variant type: single nucleotide variant.
Coding change: c.37C>T on transcript NM_016156.6 (MANE Select); coding-DNA position 37, C replaced by T.
Protein change: p.Gln13Ter; replaces glutamine 13 with a stop codon.
Molecular consequence: nonsense. On other transcripts: 5 prime UTR variant (3).
Genome position (GRCh38, 1-based): chr11:95,923,918, G>A on the plus strand (C>T on the coding strand, the complement: MTMR2 is on the minus strand). VCF-style: chr11-95923918-G-A. GRCh37 (hg19) VCF-style: chr11-95657082-G-A.
Other names: c.-374C>T (NM_201278.3); c.-251C>T (NM_201281.3); c.-447C>T (NM_001243571.2); short protein forms Q13*.
Identifiers: ClinVar variation 3011357 (VCV003011357.3), dbSNP rs1867034667, ClinGen allele CA382416450.

ClinVar aggregate classification (germline): Pathogenic (1 of 4 stars; one submission).

Conditions:
Charcot-Marie-Tooth disease type 4. Also called: Charcot-Marie-Tooth, Type 4; Charcot-Marie-Tooth disease, type IV. Identifiers: Orphanet 64749, MedGen C4082197, MONDO:0018995.

Allele frequency attached by ClinVar (database versions not stated): gnomAD exomes below 0.00001; TOPMed below 0.00001.
gnomAD v4.1: 1 of 1,561,030 alleles (0.000064%); highest among the groups gnomAD compares: Non-Finnish European, 0.000087%; no homozygotes.

Submission:

Labcorp Genetics (formerly Invitae), Labcorp
Classification: Pathogenic for Charcot-Marie-Tooth disease type 4. Last evaluated: 2022-12-30. Review status: criteria provided, single submitter. Criteria: Invitae Variant Classification Sherloc (09022015). Collection method: clinical testing. Allele origin: germline.
Comment: For these reasons, this variant has been classified as Pathogenic. This variant has not been reported in the literature in individuals affected with MTMR2-related conditions. This variant is not present in population databases (gnomAD no frequency). This sequence change creates a premature translational stop signal (p.Gln13*) in the MTMR2 gene. It is expected to result in an absent or disrupted protein product. Loss-of-function variants in MTMR2 are known to be pathogenic (PMID: 10802647).

Literature cited by the submitters: PubMed 10802647.